The following is an entry in ClinVar:

ClinVar aggregate classification (germline): Uncertain significance (1 of 4 stars; one submission).

Conditions:
Stormorken syndrome (STRMK). Also called: THROMBOCYTOPATHY, ASPLENIA, AND MIOSIS. Identifiers: Orphanet 3204, MedGen C1861451, MONDO:0008497, OMIM 185070.
Combined immunodeficiency due to STIM1 deficiency. Also called: STIM1 DEFICIENCY; IMMUNODEFICIENCY 10. Identifiers: Orphanet 169090, Orphanet 317430, MedGen C2748557, MONDO:0013008, OMIM 612783.
Myopathy with tubular aggregates (TAM). Also called: Tubular Aggregate Myopathy. Identifiers: Orphanet 2593, MedGen C0410207, MONDO:0008051.

Allele frequency attached by ClinVar (database versions not stated): gnomAD exomes below 0.00001.
gnomAD v4.1: 3 of 1,577,468 alleles (0.00019%); highest among the groups gnomAD compares: African/African-American, 0.0013%; no homozygotes.

Submission:

Labcorp Genetics (formerly Invitae), Labcorp
Classification: Uncertain significance for Myopathy with tubular aggregates; Combined immunodeficiency due to STIM1 deficiency; Stormorken syndrome. Last evaluated: 2023-05-23. Review status: criteria provided, single submitter. Criteria: Invitae Variant Classification Sherloc (09022015). Collection method: clinical testing. Allele origin: germline.
Comment: This sequence change replaces arginine, which is basic and polar, with histidine, which is basic and polar, at codon 313 of the STIM1 protein (p.Arg313His). In summary, the available evidence is currently insufficient to determine the role of this variant in disease. Therefore, it has been classified as a Variant of Uncertain Significance. Advanced modeling of protein sequence and biophysical properties (such as structural, functional, and spatial information, amino acid conservation, physicochemical variation, residue mobility, and thermodynamic stability) has been performed at Invitae for this missense variant, however the output from this modeling did not meet the statistical confidence thresholds required to predict the impact of this variant on STIM1 protein function. ClinVar contains an entry for this variant (Variation ID: 1055252). This variant has not been reported in the literature in individuals affected with STIM1-related conditions. This variant is not present in population databases (gnomAD no frequency).

NM_001382567.1(STIM1):c.938G>A (p.Arg313His)

Gene: STIM1 (stromal interaction molecule 1; plus strand). Cytogenetic location: 11p15.4.
Variant type: single nucleotide variant.
Coding change: c.938G>A on transcript NM_001382567.1 (MANE Select); coding-DNA position 938, G replaced by A.
Protein change: p.Arg313His; replaces arginine 313 with histidine.
Molecular consequence: missense variant.
Genome position (GRCh38, 1-based): chr11:4,074,648, G>A. VCF-style: chr11-4074648-G-A. GRCh37 (hg19) VCF-style: chr11-4095878-G-A.
Other names: c.938G>A, p.Arg313His (NM_001277961.3, NM_001277962.2, NM_001382568.1 and 2 more transcripts); c.716G>A, p.Arg239His (NM_001382566.1, NM_001382579.1, NM_001382573.1 and 5 more transcripts); c.449G>A, p.Arg150His (NM_001382580.1, NM_001382581.1); c.803G>A, p.Arg268His (NM_001382569.1); c.710G>A, p.Arg237His (NM_001382570.1); c.458G>A, p.Arg153His (NM_001382571.1); short protein forms R150H, R153H, R237H, R239H, R268H, R313H.
Identifiers: ClinVar variation 1055252 (VCV001055252.9), dbSNP rs776331076, ClinGen allele CA5830358.
Genomic context (GRCh38, chr11:4,074,648, plus strand): 5'-CTAAGCAGGAAGCCCAGCGGCTGAAGGAGCTGCGGGAGGGTACTGAGAATGAGCGGAGCC[G>A]CCAAAAATATGCTGAGGAGGAGTTGGAGCAGGTAGGAGAGTCCACAAATTCCTGGACACC-3'
Protein context (NP_001369496.1, residues 303-323): LREGTENERS[Arg313His]QKYAEEELEQ